The following is an entry in ClinVar:

ClinVar aggregate classification (germline): Uncertain significance (1 of 4 stars; one submission).

Conditions:
SLC25A13-related disorder. Also called: SLC25A13-related condition.

Submission:

PreventionGenetics, part of Exact Sciences
Classification: Uncertain significance for SLC25A13-related condition. Last evaluated: 2026-05-11. Review status: criteria provided, single submitter. Criteria: ACMG Guidelines, 2015. Collection method: clinical testing. Allele origin: germline.
Comment: The SLC25A13 c.911A>G variant is predicted to result in the amino acid substitution p.Asn304Ser. To our knowledge, this variant has not been reported in the literature or in a large population database (gnomAD), indicating this variant is rare. At this time, the clinical significance of this variant is uncertain due to the absence of conclusive functional and genetic evidence.

NM_014251.3(SLC25A13):c.911A>G (p.Asn304Ser)

Gene: SLC25A13 (solute carrier family 25 member 13; minus strand). Cytogenetic location: 7q21.3.
Variant type: single nucleotide variant.
Coding change: c.911A>G on transcript NM_014251.3 (MANE Select); coding-DNA position 911, A replaced by G.
Protein change: p.Asn304Ser; replaces asparagine 304 with serine.
Molecular consequence: missense variant. On other transcripts: non-coding transcript variant (1).
Genome position (GRCh38, 1-based): chr7:96,189,316, T>C on the plus strand (A>G on the coding strand, the complement: SLC25A13 is on the minus strand). VCF-style: chr7-96189316-T-C. GRCh37 (hg19) VCF-style: chr7-95818628-T-C.
Other names: c.911A>G, p.Asn304Ser (NM_001160210.2); short protein forms N304S.
Identifiers: ClinVar variation 4994110 (VCV004994110.1).